The following is an entry in ClinVar:

ClinVar aggregate classification (germline): Uncertain significance. Review status: criteria provided, multiple submitters, no conflicts (2 of 4 stars). 4 submissions from 4 submitters: Uncertain significance (3). 1 of the submissions does not count toward it. Last evaluated 2026-02-03.

Conditions:
Hereditary cancer-predisposing syndrome. Also called: Hereditary Cancer Syndrome; Hereditary neoplastic syndrome; Neoplastic Syndromes, Hereditary; Tumor predisposition. Identifiers: Orphanet 140162, MedGen C0027672, MeSH D009386, MONDO:0015356.
Bloom syndrome (BLM). Also called: Bloom-Torre-Machacek syndrome. Identifiers: Orphanet 125, MedGen C0005859, MONDO:0008876, OMIM 210900.

Allele frequency attached by ClinVar (database versions not stated): gnomAD exomes below 0.00001 and 0.00001; TOPMed below 0.00001; ExAC 0.00001.
gnomAD v4.1: 9 of 1,598,472 alleles (0.00056%); highest among the groups gnomAD compares: Non-Finnish European, 0.00077%; no homozygotes.

Submissions (4):

Labcorp Genetics (formerly Invitae), Labcorp
Classification: Uncertain significance for Bloom syndrome. Last evaluated: 2026-02-03. Review status: criteria provided, single submitter. Criteria: Invitae Variant Classification Sherloc (09022015). Collection method: clinical testing. Allele origin: germline.
Comment: This sequence change replaces aspartic acid, which is acidic and polar, with glycine, which is neutral and non-polar, at codon 1064 of the BLM protein (p.Asp1064Gly). The frequency data for this variant in the population databases is considered unreliable, as metrics indicate poor data quality at this position in the gnomAD database. This variant has not been reported in the literature in individuals affected with BLM-related conditions. ClinVar contains an entry for this variant (Variation ID: 454130). Invitae Evidence Modeling of protein sequence and biophysical properties (such as structural, functional, and spatial information, amino acid conservation, physicochemical variation, residue mobility, and thermodynamic stability) indicates that this missense variant is expected to disrupt BLM protein function with a positive predictive value of 80%. In summary, the available evidence is currently insufficient to determine the role of this variant in disease. Therefore, it has been classified as a Variant of Uncertain Significance.

Ambry Genetics
Classification: Uncertain significance for Hereditary cancer-predisposing syndrome. Last evaluated: 2022-07-20. Review status: criteria provided, single submitter. Criteria: Ambry Variant Classification Scheme 2023. Collection method: clinical testing. Allele origin: germline.
Comment: The p.D1064G variant (also known as c.3191A>G), located in coding exon 15 of the BLM gene, results from an A to G substitution at nucleotide position 3191. The aspartic acid at codon 1064 is replaced by glycine, an amino acid with similar properties. This amino acid position is highly conserved in available vertebrate species. In addition, this alteration is predicted to be deleterious by in silico analysis. Since supporting evidence is limited at this time, the clinical significance of this alteration remains unclear.

GeneDx
Classification: Uncertain significance. Last evaluated: 2022-05-12. Review status: criteria provided, single submitter. Criteria: GeneDx Variant Classification Process June 2021. Collection method: clinical testing. Allele origin: germline. Affected: yes.
Comment: Not observed at significant frequency in large population cohorts (gnomAD); In silico analysis supports that this missense variant has a deleterious effect on protein structure/function; Has not been previously published as pathogenic or benign to our knowledge

Natera, Inc.
Classification: Uncertain significance for Bloom syndrome. Last evaluated: 2020-01-24. Review status: no assertion criteria provided. Collection method: clinical testing. Allele origin: germline. Not counted in ClinVar's aggregate classification.

NM_000057.4(BLM):c.3191A>G (p.Asp1064Gly)

Gene: BLM (BLM RecQ like helicase; plus strand). Cytogenetic location: 15q26.1.
Variant type: single nucleotide variant.
Coding change: c.3191A>G on transcript NM_000057.4 (MANE Select); coding-DNA position 3191, A replaced by G.
Protein change: p.Asp1064Gly; replaces aspartic acid 1064 with glycine.
Molecular consequence: missense variant.
Genome position (GRCh38, 1-based): chr15:90,794,338, A>G. VCF-style: chr15-90794338-A-G. GRCh37 (hg19) VCF-style: chr15-91337568-A-G.
Other names: c.3191A>G, p.Asp1064Gly (NM_001287246.2, NM_001287247.2); c.2066A>G, p.Asp689Gly (NM_001287248.2); short protein forms D1064G, D689G.
Identifiers: ClinVar variation 454130 (VCV000454130.14), dbSNP rs367543032, ClinGen allele CA7738950.
Genomic context (GRCh38, chr15:90,794,338, plus strand): 5'-ACTTTGGTGAAAATGGATTTAATCCTGATTTTTGTAAGAAACACCCAGATGTTTCTTGTG[A>G]TAATTGCTGTAAAACAAAGGTAAAAAAAGAAGTTTTAAAATTCTTTATAATTAAATTTTT-3'
Protein context (NP_000048.1, residues 1054-1074): FCKKHPDVSC[Asp1064Gly]NCCKTKDYKT